The following is an entry in ClinVar:

ClinVar aggregate classification (germline): Uncertain significance. Review status: criteria provided, multiple submitters, no conflicts (2 of 4 stars). 2 submissions from 2 submitters: Uncertain significance (2). Last evaluated 2025-06-24.

Conditions:
Inborn genetic diseases. Identifiers: MedGen C0950123, MeSH D030342.

Submissions (2):

Ambry Genetics
Classification: Uncertain significance for Inborn genetic diseases. Last evaluated: 2025-06-24. Review status: criteria provided, single submitter. Criteria: Ambry Variant Classification Scheme 2023. Collection method: clinical testing. Allele origin: germline.

Labcorp Genetics (formerly Invitae), Labcorp
Classification: Uncertain significance. Last evaluated: 2025-03-16. Review status: criteria provided, single submitter. Criteria: Invitae Variant Classification Sherloc (09022015). Collection method: clinical testing. Allele origin: germline.
Comment: This sequence change replaces cysteine, which is neutral and slightly polar, with tyrosine, which is neutral and polar, at codon 1139 of the LRP5 protein (p.Cys1139Tyr). This variant is not present in population databases (gnomAD no frequency). This variant has not been reported in the literature in individuals affected with LRP5-related conditions. Invitae Evidence Modeling of protein sequence and biophysical properties (such as structural, functional, and spatial information, amino acid conservation, physicochemical variation, residue mobility, and thermodynamic stability) has been performed for this missense variant. However, the output from this modeling did not meet the statistical confidence thresholds required to predict the impact of this variant on LRP5 protein function. In summary, the available evidence is currently insufficient to determine the role of this variant in disease. Therefore, it has been classified as a Variant of Uncertain Significance.

NM_002335.4(LRP5):c.3416G>A (p.Cys1139Tyr)

Gene: LRP5 (LDL receptor related protein 5; plus strand). Cytogenetic location: 11q13.2.
Variant type: single nucleotide variant.
Coding change: c.3416G>A on transcript NM_002335.4 (MANE Select); coding-DNA position 3416, G replaced by A.
Protein change: p.Cys1139Tyr; replaces cysteine 1139 with tyrosine.
Molecular consequence: missense variant.
Genome position (GRCh38, 1-based): chr11:68,425,281, G>A. VCF-style: chr11-68425281-G-A. GRCh37 (hg19) VCF-style: chr11-68192749-G-A.
Other names: c.1673G>A, p.Cys558Tyr (NM_001291902.2); short protein forms C1139Y, C558Y.
Identifiers: ClinVar variation 4099944 (VCV004099944.2).
Genomic context (GRCh38, chr11:68,425,281, plus strand): 5'-TGGACAACACACTGGGCAAGCTGTTCTGGGTGGACGCGGACCTGAAGCGCATTGAGAGCT[G>A]TGACCTGTCAGGTACGCGCCCCGGGGCCTGCCCTAACCGCAGACACCCGGCCTTCATTGT-3'
Protein context (NP_002326.2, residues 1129-1149): VDADLKRIES[Cys1139Tyr]DLSGANRLTL